The following is an entry in ClinVar:

NM_001008537.3(NEXMIF):c.1084dup (p.Ser362fs)

Gene: NEXMIF (neurite extension and migration factor; minus strand). Cytogenetic location: Xq13.3.
Variant type: Duplication.
Coding change: c.1084dup on transcript NM_001008537.3 (MANE Select); coding-DNA position 1084, one base duplicated (T; older notation c.1084dupT).
Protein change: p.Ser362fs; shifts the reading frame from serine 362.
Molecular consequence: frameshift variant.
Genome position (GRCh38, 1-based): chrX:74,743,473, A duplicated on the plus strand (T on the coding strand, the reverse complement: NEXMIF is on the minus strand); the first of 5 consecutive A bases (chrX:74,743,473-74,743,477); duplicating any one gives the same sequence. VCF-style (leftmost placement, unchanged base first): chrX-74743472-G-GA. GRCh37 (hg19) VCF-style: chrX-73963307-G-GA.
Other names: short protein forms S362fs.
Identifiers: ClinVar variation 1075962 (VCV001075962.7), dbSNP rs2147441229, ClinGen allele CA2499226855.
Genomic context (GRCh38, chrX:74,743,472, plus strand): 5'-TTGTCCAAGTTTTTATCTTCCTCCCCCCAGATGATGCTCACATCAGGGACCTTGAATTGG[G>GA]AAAAATCACTGCTCTGCTTCAGGGCCCCACTCTTAGACTCTCGCTTGGGGCAGGTAGTAA-3'

ClinVar aggregate classification (germline): Pathogenic (1 of 4 stars; one submission).

Submission:

Labcorp Genetics (formerly Invitae), Labcorp
Classification: Pathogenic. Last evaluated: 2023-11-10. Review status: criteria provided, single submitter. Criteria: Invitae Variant Classification Sherloc (09022015). Collection method: clinical testing. Allele origin: germline.
Comment: This sequence change creates a premature translational stop signal (p.Ser362Phefs*7) in the NEXMIF gene. It is expected to result in an absent or disrupted protein product. Loss-of-function variants in NEXMIF are known to be pathogenic (PMID: 23615299). This variant is not present in population databases (gnomAD no frequency). This variant has not been reported in the literature in individuals affected with NEXMIF-related conditions. ClinVar contains an entry for this variant (Variation ID: 1075962). For these reasons, this variant has been classified as Pathogenic.

Literature cited by the submitters: PubMed 23615299.